The following is an entry in ClinVar:

ClinVar aggregate classification (germline): Uncertain significance (1 of 4 stars; one submission).

Conditions:
Cardiomyopathy (CMYO). Also called: Cardiomyopathies. Identifiers: Orphanet 167848, MedGen C0878544, MONDO:0004994, HP:0001638. Inheritance: Various modes of inheritance.

gnomAD v4.1: 2 of 1,614,028 alleles (0.00012%); highest among the groups gnomAD compares: South Asian, 0.0011%; no homozygotes.

Submission:

Color Diagnostics, LLC DBA Color Health
Classification: Uncertain significance for Cardiomyopathy. Last evaluated: 2024-03-06. Review status: criteria provided, single submitter. Criteria: ACMG Guidelines, 2015. Collection method: clinical testing. Allele origin: germline.
Comment: This missense variant replaces isoleucine with methionine at codon 1986 of the DSP protein. Computational prediction suggests that this variant may not impact protein structure and function (internally defined REVEL score threshold <= 0.5, PMID: 27666373). Splice site prediction tools suggest that this variant may not impact RNA splicing. To our knowledge, functional studies have not been performed for this variant. This variant has not been reported in individuals affected with cardiovascular disorders in the literature. This variant has been identified in 2/251420 chromosomes in the general population by the Genome Aggregation Database (gnomAD). The available evidence is insufficient to determine the role of this variant in disease conclusively. Therefore, this variant is classified as a Variant of Uncertain Significance.

NM_004415.4(DSP):c.5958C>G (p.Ile1986Met)

Gene: DSP (desmoplakin; plus strand). Cytogenetic location: 6p24.3.
Variant type: single nucleotide variant.
Coding change: c.5958C>G on transcript NM_004415.4 (MANE Select); coding-DNA position 5958, C replaced by G.
Protein change: p.Ile1986Met; replaces isoleucine 1986 with methionine.
Molecular consequence: missense variant.
Genome position (GRCh38, 1-based): chr6:7,583,220, C>G. VCF-style: chr6-7583220-C-G. GRCh37 (hg19) VCF-style: chr6-7583453-C-G.
Other names: c.4161C>G, p.Ile1387Met (NM_001008844.3); c.4629C>G, p.Ile1543Met (NM_001319034.2); short protein forms I1543M, I1986M, I1387M.
Identifiers: ClinVar variation 920021 (VCV000920021.4), dbSNP rs577625038, ClinGen allele CA046130.